The following is an entry in ClinVar:

NM_017763.6(RNF43):c.1885G>C (p.Ala629Pro)

Gene: RNF43 (ring finger protein 43; minus strand). Cytogenetic location: 17q22.
Variant type: single nucleotide variant.
Coding change: c.1885G>C on transcript NM_017763.6 (MANE Select); coding-DNA position 1885, G replaced by C.
Protein change: p.Ala629Pro; replaces alanine 629 with proline.
Molecular consequence: missense variant.
Genome position (GRCh38, 1-based): chr17:58,357,891, C>G on the plus strand (G>C on the coding strand, the complement: RNF43 is on the minus strand). VCF-style: chr17-58357891-C-G. GRCh37 (hg19) VCF-style: chr17-56435252-C-G.
Other names: c.1885G>C, p.Ala629Pro (NM_001305544.3); c.1504G>C, p.Ala502Pro (NM_001305545.2); short protein forms A502P, A629P.
Identifiers: ClinVar variation 970904 (VCV000970904.10), dbSNP rs538022572, ClinGen allele CA400387080.

ClinVar aggregate classification (germline): Uncertain significance. Review status: criteria provided, multiple submitters, no conflicts (2 of 4 stars). 2 submissions from 2 submitters: Uncertain significance (2). Last evaluated 2025-03-22.

gnomAD v4.1: 1 of 1,613,246 alleles (0.000062%); highest among the groups gnomAD compares: Admixed American, 0.0017%; no homozygotes.

Submissions (2):

Ambry Genetics
Classification: Uncertain significance. Last evaluated: 2025-03-22. Review status: criteria provided, single submitter. Criteria: Ambry Variant Classification Scheme 2023. Collection method: clinical testing. Allele origin: germline.
Comment: The p.A629P variant (also known as c.1885G>C), located in coding exon 8 of the RNF43 gene, results from a G to C substitution at nucleotide position 1885. The alanine at codon 629 is replaced by proline, an amino acid with highly similar properties. This amino acid position is conserved. In addition, this alteration is predicted to be tolerated by in silico analysis. Based on the available evidence, the clinical significance of this variant remains unclear.

Labcorp Genetics (formerly Invitae), Labcorp
Classification: Uncertain significance. Last evaluated: 2019-10-26. Review status: criteria provided, single submitter. Criteria: Invitae Variant Classification Sherloc (09022015). Collection method: clinical testing. Allele origin: germline.
Comment: In summary, the available evidence is currently insufficient to determine the role of this variant in disease. Therefore, it has been classified as a Variant of Uncertain Significance. Algorithms developed to predict the effect of missense changes on protein structure and function are either unavailable or do not agree on the potential impact of this missense change (SIFT: "Deleterious"; PolyPhen-2: "Benign"; Align-GVGD: "Class C0"). This variant has not been reported in the literature in individuals with RNF43-related conditions. This variant is not present in population databases (ExAC no frequency). This sequence change replaces alanine with proline at codon 629 of the RNF43 protein (p.Ala629Pro). The alanine residue is moderately conserved and there is a small physicochemical difference between alanine and proline.